The following is an entry in ClinVar:

NM_213599.3(ANO5):c.2170G>A (p.Ala724Thr)

Gene: ANO5 (anoctamin 5; plus strand). Cytogenetic location: 11p14.3.
Variant type: single nucleotide variant.
Coding change: c.2170G>A on transcript NM_213599.3 (MANE Select); coding-DNA position 2170, G replaced by A.
Protein change: p.Ala724Thr; replaces alanine 724 with threonine.
Molecular consequence: missense variant.
Genome position (GRCh38, 1-based): chr11:22,272,924, G>A. VCF-style: chr11-22272924-G-A. GRCh37 (hg19) VCF-style: chr11-22294470-G-A.
Other names: c.2167G>A, p.Ala723Thr (NM_001142649.2); c.2128G>A, p.Ala710Thr (NM_001410963.1); c.2125G>A, p.Ala709Thr (NM_001410964.1); short protein forms A709T, A710T, A723T, A724T.
Identifiers: ClinVar variation 2430499 (VCV002430499.4), dbSNP rs1419086010, ClinGen allele CA379923922.

ClinVar aggregate classification (germline): Uncertain significance. Review status: criteria provided, multiple submitters, no conflicts (2 of 4 stars). 2 submissions from 2 submitters: Uncertain significance (2). Last evaluated 2024-08-08.

Conditions:
Gnathodiaphyseal dysplasia (GDD). Also called: OSTEOGENESIS IMPERFECTA WITH UNUSUAL SKELETAL LESIONS; GNATHODIAPHYSEAL SCLEROSIS. Identifiers: Orphanet 53697, MedGen C1833736, MONDO:0008151, OMIM 166260.
Autosomal recessive limb-girdle muscular dystrophy type 2L (LGMDR12). Also called: Limb-Girdle Muscular Dystrophy R12 Anoctamin-5-Related (LGMD-R12); Limb-girdle muscular dystrophy, type 2L; MUSCULAR DYSTROPHY, LIMB-GIRDLE, AUTOSOMAL RECESSIVE 12. Identifiers: Orphanet 206549, MedGen C1969785, MONDO:0012652, OMIM 611307.
ANO5-related disorder. Also called: ANO5-related disorders; ANO5-related condition. Identifiers: MedGen CN239193.

gnomAD v4.1: 2 of 1,614,040 alleles (0.00012%); highest among the groups gnomAD compares: Non-Finnish European, 0.00017%; no homozygotes.

Submissions (2):

Labcorp Genetics (formerly Invitae), Labcorp
Classification: Uncertain significance for Autosomal recessive limb-girdle muscular dystrophy type 2L; Gnathodiaphyseal dysplasia. Last evaluated: 2024-08-08. Review status: criteria provided, single submitter. Criteria: Invitae Variant Classification Sherloc (09022015). Collection method: clinical testing. Allele origin: germline.
Comment: This sequence change replaces alanine, which is neutral and non-polar, with threonine, which is neutral and polar, at codon 724 of the ANO5 protein (p.Ala724Thr). This variant is not present in population databases (gnomAD no frequency). This variant has not been reported in the literature in individuals affected with ANO5-related conditions. ClinVar contains an entry for this variant (Variation ID: 2430499). Advanced modeling of protein sequence and biophysical properties (such as structural, functional, and spatial information, amino acid conservation, physicochemical variation, residue mobility, and thermodynamic stability) performed at Invitae indicates that this missense variant is expected to disrupt ANO5 protein function with a positive predictive value of 80%. In summary, the available evidence is currently insufficient to determine the role of this variant in disease. Therefore, it has been classified as a Variant of Uncertain Significance.

GeneDx
Classification: Uncertain significance. Last evaluated: 2022-08-19. Review status: criteria provided, single submitter. Criteria: GeneDx Variant Classification Process June 2021. Collection method: clinical testing. Allele origin: germline. Affected: yes.
Comment: Not observed at significant frequency in large population cohorts (gnomAD); In silico analysis supports that this missense variant has a deleterious effect on protein structure/function; Has not been previously published as pathogenic or benign to our knowledge